The following is an entry in ClinVar:

ClinVar aggregate classification (germline): Uncertain significance. Review status: criteria provided, multiple submitters, no conflicts (2 of 4 stars). 4 submissions from 4 submitters: Uncertain significance (4). Last evaluated 2025-11-24.

Conditions:
Inborn genetic diseases. Identifiers: MedGen C0950123, MeSH D030342.
BBS10-related disorder. Also called: BBS10-related condition.
Bardet-Biedl syndrome (BBS). Identifiers: Orphanet 110, MedGen C0752166, MONDO:0015229.

Allele frequency attached by ClinVar (database versions not stated): gnomAD exomes below 0.00001; gnomAD 0.00001; TOPMed 0.00001; ESP Exome Variant Server 0.00008.
gnomAD v4.1: 8 of 1,614,132 alleles (0.0005%); highest among the groups gnomAD compares: African/African-American, 0.011%; no homozygotes.

Submissions (4):

Ambry Genetics
Classification: Uncertain significance for Inborn genetic diseases. Last evaluated: 2025-11-24. Review status: criteria provided, single submitter. Criteria: Ambry Variant Classification Scheme 2023. Collection method: clinical testing. Allele origin: germline.

Labcorp Genetics (formerly Invitae), Labcorp
Classification: Uncertain significance for Bardet-Biedl syndrome. Last evaluated: 2025-06-16. Review status: criteria provided, single submitter. Criteria: Invitae Variant Classification Sherloc (09022015). Collection method: clinical testing. Allele origin: germline.
Comment: This sequence change replaces valine, which is neutral and non-polar, with isoleucine, which is neutral and non-polar, at codon 398 of the BBS10 protein (p.Val398Ile). This variant is present in population databases (rs370079788, gnomAD 0.01%). This variant has not been reported in the literature in individuals affected with BBS10-related conditions. ClinVar contains an entry for this variant (Variation ID: 1907267). Invitae Evidence Modeling of protein sequence and biophysical properties (such as structural, functional, and spatial information, amino acid conservation, physicochemical variation, residue mobility, and thermodynamic stability) indicates that this missense variant is not expected to disrupt BBS10 protein function with a negative predictive value of 80%. In summary, the available evidence is currently insufficient to determine the role of this variant in disease. Therefore, it has been classified as a Variant of Uncertain Significance.

Blueprint Genetics
Classification: Uncertain significance. Last evaluated: 2024-06-26. Review status: criteria provided, single submitter. Criteria: ACMG Guidelines, 2015. Collection method: clinical testing. Allele origin: germline.

PreventionGenetics, part of Exact Sciences
Classification: Uncertain significance for BBS10-related condition. Last evaluated: 2023-02-21. Review status: criteria provided, single submitter. Criteria: ACMG Guidelines, 2015. Collection method: clinical testing. Allele origin: germline.
Comment: The BBS10 c.1192G>A variant is predicted to result in the amino acid substitution p.Val398Ile. To our knowledge, this variant has not been reported in the literature. This variant is reported in 0.012% of alleles in individuals of African descent in gnomAD. At this time, the clinical significance of this variant is uncertain due to the absence of conclusive functional and genetic evidence.

NM_024685.4(BBS10):c.1192G>A (p.Val398Ile)

Gene: BBS10 (Bardet-Biedl syndrome 10; minus strand). Cytogenetic location: 12q21.2.
Variant type: single nucleotide variant.
Coding change: c.1192G>A on transcript NM_024685.4 (MANE Select); coding-DNA position 1192, G replaced by A.
Protein change: p.Val398Ile; replaces valine 398 with isoleucine.
Molecular consequence: missense variant.
Genome position (GRCh38, 1-based): chr12:76,346,793, C>T on the plus strand (G>A on the coding strand, the complement: BBS10 is on the minus strand). VCF-style: chr12-76346793-C-T. GRCh37 (hg19) VCF-style: chr12-76740573-C-T.
Other names: c.1192G>A (NM_024685.3); short protein forms V398I.
Identifiers: ClinVar variation 1907267 (VCV001907267.6), dbSNP rs370079788, ClinGen allele CA239331996.